The following is an entry in ClinVar:

ClinVar aggregate classification (germline): Pathogenic (1 of 4 stars; one submission).

Submission:

New York Genome Center
Classification: Pathogenic. Last evaluated: 2021-02-19. Review status: criteria provided, single submitter. Criteria: NYGC Assertion Criteria 2020. Collection method: clinical testing. Allele origin: de novo. Observed: 1 variant allele. Study: CSER-NYCKidSeq.
Comment: The Xq28 deletion is an approximately ~1.4 MB deletion at the terminal region of the long arm of the X-chromosome. The centromeric breakpoint of this deletion is within a LCR and is poorly mapped with genome sequencing technology. Microarray analysis suggests this deletion has centromeric breakpoint occurring between the L1 and L2 region at the Int22h1 border (see [PMID:29341460] and extending to the telomere of Xq, and does include the Pseudoautosomal Region 2 (PAR2) of the X chromosome. This region contains approximately 55 genes, 19 of which are OMIM associated. Several of these genes are associated with X-linked conditions including DKC1 (Dyskeratosis congenita X-Linked; MIM#305000), F8 (Hemophilia A; MIM#306700), RAB39B (Intellectual Disability, X-Linked 72; MIM#300271 and Waisman syndrome; MIM#311510), CLIC2 (?Intellectual Disability, X-Linked, syndromic 32; MIM#300886), and TMLHE ({Autism, susceptibility to, X-linked 6}; MIM#300872). Loss of each of these genes, or deletion in this region, is linked to disorders primarily affecting males, with females largely being asymptomatic. However, mildly affected females and phenotypic variability in females has also been rarely reported [PMID:27570172, 33082527, Family 6-PMID:25927380, others] and possibly corresponds to skewing of X-chromosome inactivation in those individuals. The de novo Xq28 deletion is reported as Pathogenic.

NC_000023.11:g.(154612552_154656872)_(156005236_156038495)del

Genes: BRCC3 (BRCA1/BRCA2-containing complex subunit 3; plus strand), CLIC2 (chloride intracellular channel 2; minus strand), CMC4 (C-X9-C motif containing 4; minus strand), CTAG1B (cancer/testis antigen 1B; minus strand), CTAG2 (cancer/testis antigen 2; minus strand) and 61 more. Cytogenetic location: Xq28.
Variant type: Deletion.
Identifiers: ClinVar variation 1342389 (VCV001342389.2).